The following is an entry in ClinVar:

NM_004239.4(TRIP11):c.5174A>G (p.Glu1725Gly)

Gene: TRIP11 (thyroid hormone receptor interactor 11; minus strand). Cytogenetic location: 14q32.12.
Variant type: single nucleotide variant.
Coding change: c.5174A>G on transcript NM_004239.4 (MANE Select); coding-DNA position 5174, A replaced by G.
Protein change: p.Glu1725Gly; replaces glutamic acid 1725 with glycine.
Molecular consequence: missense variant.
Genome position (GRCh38, 1-based): chr14:91,988,370, T>C on the plus strand (A>G on the coding strand, the complement: TRIP11 is on the minus strand). VCF-style: chr14-91988370-T-C. GRCh37 (hg19) VCF-style: chr14-92454714-T-C.
Other names: c.5171A>G, p.Glu1724Gly (NM_001321851.1); short protein forms E1725G, E1724G.
Identifiers: ClinVar variation 1424683 (VCV001424683.6), dbSNP rs2140097477, ClinGen allele CA390645081.

ClinVar aggregate classification (germline): Uncertain significance (1 of 4 stars; one submission).

Conditions:
Achondrogenesis, type IA (ACG1A). Identifiers: Orphanet 932, Orphanet 93299, MedGen C0265273, MONDO:0008701, OMIM 200600.

Submission:

Labcorp Genetics (formerly Invitae), Labcorp
Classification: Uncertain significance for Achondrogenesis, type IA. Last evaluated: 2021-11-05. Review status: criteria provided, single submitter. Criteria: Invitae Variant Classification Sherloc (09022015). Collection method: clinical testing. Allele origin: germline.
Comment: This sequence change replaces glutamic acid, which is acidic and polar, with glycine, which is neutral and non-polar, at codon 1725 of the TRIP11 protein (p.Glu1725Gly). This variant has not been reported in the literature in individuals affected with TRIP11-related conditions. This variant is not present in population databases (gnomAD no frequency). Algorithms developed to predict the effect of missense changes on protein structure and function are either unavailable or do not agree on the potential impact of this missense change (SIFT: "Not Available"; PolyPhen-2: "Possibly Damaging"; Align-GVGD: "Not Available"). In summary, the available evidence is currently insufficient to determine the role of this variant in disease. Therefore, it has been classified as a Variant of Uncertain Significance.